The following is an entry in ClinVar:

ClinVar aggregate classification (germline): Uncertain significance. Review status: criteria provided, multiple submitters, no conflicts (2 of 4 stars). 2 submissions from 2 submitters: Uncertain significance (2). Last evaluated 2022-01-06.

Conditions:
Hereditary cancer-predisposing syndrome. Also called: Tumor predisposition; Hereditary Cancer Syndrome; Hereditary neoplastic syndrome; Neoplastic Syndromes, Hereditary. Identifiers: Orphanet 140162, MedGen C0027672, MeSH D009386, MONDO:0015356.
Familial cancer of breast. Also called: BREAST CANCER, FAMILIAL; Hereditary breast cancer; hereditary breast carcinoma. Identifiers: Orphanet 227535, MedGen C0346153, MONDO:0016419, OMIM 114480. Disease mechanism: loss of function.

gnomAD v4.1: 3 of 1,614,026 alleles (0.00019%); highest among the groups gnomAD compares: East Asian, 0.0022%; no homozygotes.

Submissions (2):

Labcorp Genetics (formerly Invitae), Labcorp
Classification: Uncertain significance for Familial cancer of breast. Last evaluated: 2022-01-06. Review status: criteria provided, single submitter. Criteria: Invitae Variant Classification Sherloc (09022015). Collection method: clinical testing. Allele origin: germline.
Comment: In summary, the available evidence is currently insufficient to determine the role of this variant in disease. Therefore, it has been classified as a Variant of Uncertain Significance. Algorithms developed to predict the effect of missense changes on protein structure and function are either unavailable or do not agree on the potential impact of this missense change (SIFT: "Deleterious"; PolyPhen-2: "Probably Damaging"; Align-GVGD: "Class C15"). ClinVar contains an entry for this variant (Variation ID: 410050). This variant has not been reported in the literature in individuals affected with CHEK2-related conditions. This variant is not present in population databases (gnomAD no frequency). This sequence change replaces cysteine, which is neutral and slightly polar, with tryptophan, which is neutral and slightly polar, at codon 324 of the CHEK2 protein (p.Cys324Trp).

Color Diagnostics, LLC DBA Color Health
Classification: Uncertain significance for Hereditary cancer-predisposing syndrome. Last evaluated: 2019-03-19. Review status: criteria provided, single submitter. Criteria: ACMG Guidelines, 2015. Collection method: clinical testing. Allele origin: germline.

NM_007194.4(CHEK2):c.972C>G (p.Cys324Trp)

Gene: CHEK2 (checkpoint kinase 2; minus strand). Cytogenetic location: 22q12.1.
Variant type: single nucleotide variant.
Coding change: c.972C>G on transcript NM_007194.4 (MANE Select); coding-DNA position 972, C replaced by G.
Protein change: p.Cys324Trp; replaces cysteine 324 with tryptophan.
Molecular consequence: missense variant.
Genome position (GRCh38, 1-based): chr22:28,699,874, G>C on the plus strand (C>G on the coding strand, the complement: CHEK2 is on the minus strand). VCF-style: chr22-28699874-G-C. GRCh37 (hg19) VCF-style: chr22-29095862-G-C.
Other names: c.1101C>G, p.Cys367Trp (NM_001005735.3); c.309C>G, p.Cys103Trp (NM_001257387.3); c.771C>G, p.Cys257Trp (NM_001349956.3); c.972C>G, p.Cys324Trp (NM_145862.3); short protein forms C324W, C367W, C257W, C103W.
Identifiers: ClinVar variation 410050 (VCV000410050.12), dbSNP rs1060502712, ClinGen allele CA16616325.